The following is an entry in ClinVar:

NM_006206.6(PDGFRA):c.843G>A (p.Thr281=)

Gene: PDGFRA (platelet derived growth factor receptor alpha; plus strand). Cytogenetic location: 4q12.
Variant type: single nucleotide variant.
Coding change: c.843G>A on transcript NM_006206.6 (MANE Select); coding-DNA position 843, G replaced by A.
Protein change: p.Thr281=; no amino-acid change (threonine 281 retained).
Molecular consequence: synonymous variant.
Genome position (GRCh38, 1-based): chr4:54,267,372, G>A. VCF-style: chr4-54267372-G-A. GRCh37 (hg19) VCF-style: chr4-55133539-G-A.
Other names: c.843G>A, p.Thr281= (NM_001347827.2, NM_001347829.2); c.918G>A, p.Thr306= (NM_001347828.2); c.882G>A, p.Thr294= (NM_001347830.2).
Identifiers: ClinVar variation 414522 (VCV000414522.15), dbSNP rs775953848, ClinGen allele CA2922406.

ClinVar aggregate classification (germline): Benign/Likely benign. Review status: criteria provided, multiple submitters, no conflicts (2 of 4 stars). 3 submissions from 3 submitters: Benign (1); Likely benign (2). Last evaluated 2026-06-16.

Conditions:
Polyps, multiple and recurrent inflammatory fibroid, gastrointestinal. Identifiers: MedGen C5193005, MONDO:0008285, OMIM 175510.
Hereditary cancer-predisposing syndrome. Also called: Neoplastic Syndromes, Hereditary; Hereditary Cancer Syndrome; Hereditary neoplastic syndrome; Tumor predisposition. Identifiers: Orphanet 140162, MedGen C0027672, MeSH D009386, MONDO:0015356.
Gastrointestinal stromal tumor. Also called: Gastrointestinal stroma tumor; Gastrointestinal stromal tumor, somatic. Identifiers: Orphanet 44890, MedGen C0238198, MeSH D046152, MONDO:0011719, OMIM 606764, HP:0100723.

Allele frequency attached by ClinVar (database versions not stated): ExAC 0.00001; gnomAD 0.00001; gnomAD exomes 0.00002; TOPMed 0.00002.
gnomAD v4.1: 22 of 1,613,828 alleles (0.0014%); highest among the groups gnomAD compares: Admixed American, 0.005%; no homozygotes.

Submissions (3):

Myriad Genetics, Inc.
Classification: Benign for Polyps, multiple and recurrent inflammatory fibroid, gastrointestinal. Last evaluated: 2026-06-16. Review status: criteria provided, single submitter. Criteria: Myriad Autosomal Dominant, Autosomal Recessive and X-Linked Classification Criteria (2023). Collection method: clinical testing. Allele origin: unknown.
Comment: This variant is considered benign. This variant is a silent/synonymous amino acid change and it is not expected to impact splicing.

Labcorp Genetics (formerly Invitae), Labcorp
Classification: Likely benign for Gastrointestinal stromal tumor. Last evaluated: 2025-10-07. Review status: criteria provided, single submitter. Criteria: Invitae Variant Classification Sherloc (09022015). Collection method: clinical testing. Allele origin: germline.

Ambry Genetics
Classification: Likely benign for Hereditary cancer-predisposing syndrome. Last evaluated: 2022-12-21. Review status: criteria provided, single submitter. Criteria: Ambry Variant Classification Scheme 2023. Collection method: clinical testing. Allele origin: germline.